The following is an entry in ClinVar:

ClinVar aggregate classification (germline): Uncertain significance (1 of 4 stars; one submission).

Conditions:
Autosomal recessive limb-girdle muscular dystrophy type 2D (LGMDR3). Also called: MUSCULAR DYSTROPHY, LIMB-GIRDLE, AUTOSOMAL RECESSIVE 3; DUCHENNE-LIKE AUTOSOMAL RECESSIVE MUSCULAR DYSTROPHY, TYPE 2; ADHALINOPATHY, PRIMARY. Identifiers: Orphanet 62, MedGen C2936332, MONDO:0011968, OMIM 608099. Disease mechanism: Affects gamma-sarcoglycan and also disrupts the integrity of the entire sarcoglycan complex..

Allele frequency attached by ClinVar (database versions not stated): gnomAD exomes below 0.00001.
gnomAD v4.1: 1 of 1,613,900 alleles (0.000062%); highest among the groups gnomAD compares: Admixed American, 0.0017%; no homozygotes.

Submission:

Labcorp Genetics (formerly Invitae), Labcorp
Classification: Uncertain significance for Autosomal recessive limb-girdle muscular dystrophy type 2D. Last evaluated: 2021-06-21. Review status: criteria provided, single submitter. Criteria: Invitae Variant Classification Sherloc (09022015). Collection method: clinical testing. Allele origin: germline.
Comment: This variant is not present in population databases (ExAC no frequency). This sequence change replaces proline with serine at codon 70 of the SGCA protein (p.Pro70Ser). The proline residue is highly conserved and there is a moderate physicochemical difference between proline and serine. This variant has not been reported in the literature in individuals with SGCA-related conditions. In summary, the available evidence is currently insufficient to determine the role of this variant in disease. Therefore, it has been classified as a Variant of Uncertain Significance. Advanced modeling of protein sequence and biophysical properties (such as structural, functional, and spatial information, amino acid conservation, physicochemical variation, residue mobility, and thermodynamic stability) performed at Invitae indicates that this missense variant is expected to disrupt SGCA protein function.

NM_000023.4(SGCA):c.208C>T (p.Pro70Ser)

Gene: SGCA (sarcoglycan alpha; plus strand). Cytogenetic location: 17q21.33.
Variant type: single nucleotide variant.
Coding change: c.208C>T on transcript NM_000023.4 (MANE Select); coding-DNA position 208, C replaced by T.
Protein change: p.Pro70Ser; replaces proline 70 with serine.
Molecular consequence: missense variant. On other transcripts: non-coding transcript variant (1).
Genome position (GRCh38, 1-based): chr17:50,167,632, C>T. VCF-style: chr17-50167632-C-T. GRCh37 (hg19) VCF-style: chr17-48244993-C-T.
Other names: c.208C>T, p.Pro70Ser (NM_001135697.3); short protein forms P70S.
Identifiers: ClinVar variation 1388143 (VCV001388143.8), dbSNP rs1348067599, ClinGen allele CA400177393.
Genomic context (GRCh38, chr17:50,167,632, plus strand): 5'-CTTCCACCAGCTGTCCCACCCGCTGTCCACATCACCTACCACGCCCACCTCCAGGGACAC[C>T]CAGACCTGCCCCGGTGGCTCCGCTACACCCAGCGCAGCCCCCACCACCCTGGCTTCCTCT-3'
Protein context (NP_000014.1, residues 60-80): ITYHAHLQGH[Pro70Ser]DLPRWLRYTQ